The following is an entry in ClinVar:

ClinVar aggregate classification (germline): Uncertain significance (1 of 4 stars; one submission).

Allele frequency attached by ClinVar (database versions not stated): gnomAD exomes below 0.00001; ExAC 0.00001.
gnomAD v4.1: 1 of 1,614,036 alleles (0.000062%); no homozygotes.

Submission:

Ambry Genetics
Classification: Uncertain significance. Last evaluated: 2023-09-01. Review status: criteria provided, single submitter. Criteria: Ambry Variant Classification Scheme 2023. Collection method: clinical testing. Allele origin: germline.
Comment: The p.V562G variant (also known as c.1685T>G), located in coding exon 9 of the PKP4 gene, results from a T to G substitution at nucleotide position 1685. The valine at codon 562 is replaced by glycine, an amino acid with dissimilar properties. This amino acid position is conserved. In addition, this alteration is predicted to be deleterious by in silico analysis. Since supporting evidence is limited at this time, the clinical significance of this alteration remains unclear.

NM_003628.6(PKP4):c.1685T>G (p.Val562Gly)

Gene: PKP4 (plakophilin 4; plus strand). Cytogenetic location: 2q24.1.
Variant type: single nucleotide variant.
Coding change: c.1685T>G on transcript NM_003628.6 (MANE Select); coding-DNA position 1685, T replaced by G.
Protein change: p.Val562Gly; replaces valine 562 with glycine.
Molecular consequence: missense variant.
Genome position (GRCh38, 1-based): chr2:158,640,749, T>G. VCF-style: chr2-158640749-T-G. GRCh37 (hg19) VCF-style: chr2-159497261-T-G.
Other names: c.1685T>G, p.Val562Gly (NM_001005476.4, NM_001304971.2, NM_001377218.1 and 1 more transcripts); c.1682T>G, p.Val561Gly (NM_001304969.3, NM_001377219.1, NM_001377220.1 and 2 more transcripts); c.656T>G, p.Val219Gly (NM_001304970.3); c.1679T>G, p.Val560Gly (NM_001377222.1, NM_001377223.1); c.1676T>G, p.Val559Gly (NM_001377224.1); short protein forms V219G, V559G, V560G, V561G, V562G.
Identifiers: ClinVar variation 2625291 (VCV002625291.2), dbSNP rs746250385, ClinGen allele CA1920777.